The following is an entry in ClinVar:

ClinVar aggregate classification (germline): Uncertain significance (1 of 4 stars; one submission).

Allele frequency attached by ClinVar (database versions not stated): gnomAD 0.00003; gnomAD exomes 0.00004 and 0.00003; ESP Exome Variant Server 0.00008; 1000 Genomes Project 30x 0.00016; 1000 Genomes Project 0.00020; TOPMed 0.00003; ExAC 0.00004.

Submission:

Labcorp Genetics (formerly Invitae), Labcorp
Classification: Uncertain significance. Last evaluated: 2022-07-06. Review status: criteria provided, single submitter. Criteria: Invitae Variant Classification Sherloc (09022015). Collection method: clinical testing. Allele origin: germline.
Comment: This sequence change replaces threonine, which is neutral and polar, with methionine, which is neutral and non-polar, at codon 704 of the VPS13C protein (p.Thr704Met). This variant is present in population databases (rs114387705, gnomAD 0.02%). This variant has not been reported in the literature in individuals affected with VPS13C-related conditions. ClinVar contains an entry for this variant (Variation ID: 1419077). Algorithms developed to predict the effect of missense changes on protein structure and function (SIFT, PolyPhen-2, Align-GVGD) all suggest that this variant is likely to be tolerated. In summary, the available evidence is currently insufficient to determine the role of this variant in disease. Therefore, it has been classified as a Variant of Uncertain Significance.

NM_020821.3(VPS13C):c.2111C>T (p.Thr704Met)

Gene: VPS13C (vacuolar protein sorting 13 homolog C; minus strand). Cytogenetic location: 15q22.2.
Variant type: single nucleotide variant.
Coding change: c.2111C>T on transcript NM_020821.3 (MANE Select); coding-DNA position 2111, C replaced by T.
Protein change: p.Thr704Met; replaces threonine 704 with methionine.
Molecular consequence: missense variant.
Genome position (GRCh38, 1-based): chr15:61,981,397, G>A on the plus strand (C>T on the coding strand, the complement: VPS13C is on the minus strand). VCF-style: chr15-61981397-G-A. GRCh37 (hg19) VCF-style: chr15-62273596-G-A.
Other names: c.2111C>T, p.Thr704Met (NM_001018088.3); c.1982C>T, p.Thr661Met (NM_017684.5, NM_018080.4); short protein forms T661M, T704M.
Identifiers: ClinVar variation 1419077 (VCV001419077.6), dbSNP rs114387705, ClinGen allele CA7596832.